The following is an entry in ClinVar:

NM_024675.4(PALB2):c.48+7G>C

Gene: PALB2 (partner and localizer of BRCA2; minus strand). Cytogenetic location: 16p12.2.
Variant type: single nucleotide variant.
Coding change: c.48+7G>C on transcript NM_024675.4 (MANE Select); 7 bases into the intron after coding-DNA position 48, G replaced by C.
Molecular consequence: intron variant.
Genome position (GRCh38, 1-based): chr16:23,641,103, C>G on the plus strand (G>C on the coding strand, the complement: PALB2 is on the minus strand). VCF-style: chr16-23641103-C-G. GRCh37 (hg19) VCF-style: chr16-23652424-C-G.
Identifiers: ClinVar variation 241568 (VCV000241568.26), dbSNP rs190626072, ClinGen allele CA7963885.

ClinVar aggregate classification (germline): Conflicting classifications of pathogenicity. Review status: criteria provided, conflicting classifications (1 of 4 stars). 10 submissions from 10 submitters: Uncertain significance (2); Benign (2); Likely benign (3). 3 of the submissions do not count toward it. Last evaluated 2026-01-20.

Conditions:
PALB2-related disorder. Also called: PALB2-related condition; PALB2-related disorders.
Hereditary cancer-predisposing syndrome. Also called: Tumor predisposition; Neoplastic Syndromes, Hereditary; Hereditary Cancer Syndrome; Hereditary neoplastic syndrome. Identifiers: Orphanet 140162, MedGen C0027672, MeSH D009386, MONDO:0015356.
Familial cancer of breast. Also called: Hereditary breast cancer; BREAST CANCER, FAMILIAL; hereditary breast carcinoma. Identifiers: Orphanet 227535, MedGen C0346153, MONDO:0016419, OMIM 114480. Disease mechanism: loss of function.

Allele frequency attached by ClinVar (database versions not stated): gnomAD exomes 0.00001 and 0.00005; ExAC 0.00009; gnomAD 0.00013 and 0.00014; TOPMed 0.00020; ESP Exome Variant Server 0.00031; 1000 Genomes Project 0.00080; 1000 Genomes Project 30x 0.00109.
gnomAD v4.1: 46 of 1,613,238 alleles (0.0029%); highest among the groups gnomAD compares: African/African-American, 0.052%; no homozygotes.

Submissions (10):

Labcorp Genetics (formerly Invitae), Labcorp
Classification: Benign for Familial cancer of breast. Last evaluated: 2026-01-20. Review status: criteria provided, single submitter. Criteria: Invitae Variant Classification Sherloc (09022015). Collection method: clinical testing. Allele origin: germline.

Center for Genomic Medicine, Rigshospitalet, Copenhagen University Hospital
Classification: Uncertain significance. Last evaluated: 2025-03-04. Review status: criteria provided, single submitter. Criteria: ACMG Guidelines, 2015. Collection method: clinical testing. Allele origin: germline.

Myriad Genetics, Inc.
Classification: Benign for Familial cancer of breast. Last evaluated: 2023-03-30. Review status: criteria provided, single submitter. Criteria: Myriad Autosomal Dominant, Autosomal Recessive and X-Linked Classification Criteria (2023). Collection method: clinical testing. Allele origin: unknown.
Comment: This variant is considered benign. This variant is intronic and is not expected to impact mRNA splicing. This variant is strongly associated with less severe personal and family histories of cancer, typical for individuals without pathogenic variants in this gene [PMID: 25085752].

Sema4
Classification: Likely benign for Hereditary cancer-predisposing syndrome. Last evaluated: 2021-05-17. Review status: criteria provided, single submitter. Criteria: Sema4 Curation Guidelines. Collection method: curation. Allele origin: germline.

GeneDx
Classification: Likely benign. Last evaluated: 2017-03-14. Review status: criteria provided, single submitter. Criteria: GeneDx Variant Classification (06012015). Collection method: clinical testing. Allele origin: germline. Affected: yes.
Comment: This variant is considered likely benign or benign based on one or more of the following criteria: it is a conservative change, it occurs at a poorly conserved position in the protein, it is predicted to be benign by multiple in silico algorithms, and/or has population frequency not consistent with disease.

Women's Health and Genetics/Laboratory Corporation of America, LabCorp
Classification: Uncertain significance. Last evaluated: 2016-02-15. Review status: criteria provided, single submitter. Criteria: LabCorp Variant Classification Summary - May 2015. Collection method: clinical testing. Allele origin: germline.

Color Diagnostics, LLC DBA Color Health
Classification: Likely benign for Hereditary cancer-predisposing syndrome. Last evaluated: 2015-09-22. Review status: criteria provided, single submitter. Criteria: ACMG Guidelines, 2015. Collection method: clinical testing. Allele origin: germline.

PreventionGenetics, part of Exact Sciences
Classification: Likely benign for PALB2-related condition. Last evaluated: 2022-02-21. Review status: no assertion criteria provided. Collection method: clinical testing. Allele origin: germline. Not counted in ClinVar's aggregate classification.
Comment: This variant is classified as likely benign based on ACMG/AMP sequence variant interpretation guidelines (Richards et al. 2015 PMID: 25741868, with internal and published modifications).

Counsyl
Classification: Likely benign for Familial cancer of breast. Last evaluated: 2016-10-11. Review status: no assertion criteria provided. Collection method: clinical testing. Allele origin: unknown. Not counted in ClinVar's aggregate classification.

Department of Pathology and Laboratory Medicine, Sinai Health System
Classification: Likely benign. Review status: no assertion criteria provided. Collection method: clinical testing. Allele origin: unknown. Affected: yes. Study: The Canadian Open Genetics Repository (COGR). Not counted in ClinVar's aggregate classification.
Comment: The PALB2 c.48+7G>C variant was not identified in the literature nor was it identified in the LOVD 3.0, Zhejiang Colon Cancer Database, databases. The variant was identified in dbSNP (ID: rs190626072) as With Likely benign allele, ClinVar (classified as likely benign by Invitae, Counsyl, GeneDx), databases. The variant was identified in control databases in 17 of 272618 chromosomes at a frequency of 0.000062 increasing the likelihood that this may be a low frequency benign variant in certain populations of origin (Genome Aggregation Consortium Feb 27, 2017). The variant occurs outside of the splicing consensus sequence and 3 of 5 in silico or computational prediction software programs (SpliceSiteFinder, MaxEntScan, NNSPLICE, GeneSplicer, HumanSpliceFinder) predict a greater than 10% difference in splicing. However, this information is not predictive enough to assume pathogenicity. In summary, based on the above information, the clinical significance of this variant cannot be determined with certainty at this time although we would lean towards a more benign role for this variant. This variant is classified as likely benign.

Literature cited by the submitters: PubMed 25085752 (cited by Myriad Genetics, Inc.).